The following is an entry in ClinVar:

NM_019842.4(KCNQ5):c.410T>C (p.Val137Ala)

Gene: KCNQ5 (potassium voltage-gated channel subfamily Q member 5; plus strand). Cytogenetic location: 6q13.
Variant type: single nucleotide variant.
Coding change: c.410T>C on transcript NM_019842.4 (MANE Select); coding-DNA position 410, T replaced by C.
Protein change: p.Val137Ala; replaces valine 137 with alanine.
Molecular consequence: missense variant.
Genome position (GRCh38, 1-based): chr6:73,003,919, T>C. VCF-style: chr6-73003919-T-C. GRCh37 (hg19) VCF-style: chr6-73713642-T-C.
Other names: c.410T>C, p.Val137Ala (NM_001160130.2, NM_001160132.2, NM_001160133.2 and 1 more transcripts); c.410T>C (NM_001160133.1); short protein forms V137A.
Identifiers: ClinVar variation 2716771 (VCV002716771.4), dbSNP rs2533371528, ClinGen allele CA364824861.
Genomic context (GRCh38, chr6:73,003,919, plus strand): 5'-GATAATAAGGTAAGGTTCTTATCAGATTTCTCTTTTTGTTGTTTTACAGTTTTCTCCTTG[T>C]CTTTGGTTGCTTGATTTTGTCAGTGTTTTCTACCATCCCTGAGCACACAAAATTGGCCTC-3'
Protein context (NP_062816.2, residues 127-147): FIYHAFVFLL[Val137Ala]FGCLILSVFS

ClinVar aggregate classification (germline): Uncertain significance. Review status: criteria provided, multiple submitters, no conflicts (2 of 4 stars). 2 submissions from 2 submitters: Uncertain significance (2). Last evaluated 2025-04-08.

Conditions:
Inborn genetic diseases. Identifiers: MedGen C0950123, MeSH D030342.

Submissions (2):

Ambry Genetics
Classification: Uncertain significance for Inborn genetic diseases. Last evaluated: 2025-04-08. Review status: criteria provided, single submitter. Criteria: Ambry Variant Classification Scheme 2023. Collection method: clinical testing. Allele origin: germline.

Labcorp Genetics (formerly Invitae), Labcorp
Classification: Uncertain significance. Last evaluated: 2023-03-29. Review status: criteria provided, single submitter. Criteria: Invitae Variant Classification Sherloc (09022015). Collection method: clinical testing. Allele origin: germline.
Comment: This variant has not been reported in the literature in individuals affected with KCNQ5-related conditions. In summary, the available evidence is currently insufficient to determine the role of this variant in disease. Therefore, it has been classified as a Variant of Uncertain Significance. Advanced modeling of protein sequence and biophysical properties (such as structural, functional, and spatial information, amino acid conservation, physicochemical variation, residue mobility, and thermodynamic stability) has been performed at Invitae for this missense variant, however the output from this modeling did not meet the statistical confidence thresholds required to predict the impact of this variant on KCNQ5 protein function. This variant is not present in population databases (gnomAD no frequency). This sequence change replaces valine, which is neutral and non-polar, with alanine, which is neutral and non-polar, at codon 137 of the KCNQ5 protein (p.Val137Ala).